The following is an entry in ClinVar:

NM_001122681.2(SH3BP2):c.822_823del (p.Arg275fs)

Gene: SH3BP2 (SH3 domain binding protein 2; plus strand). Cytogenetic location: 4p16.3.
Variant type: Deletion.
Coding change: c.822_823del on transcript NM_001122681.2 (MANE Select); coding-DNA positions 822 to 823, 2 bases deleted (CC; older notation c.822_823delCC).
Protein change: p.Arg275fs; shifts the reading frame from arginine 275.
Molecular consequence: frameshift variant.
Genome position (GRCh38, 1-based): chr4:2,829,728-2,829,729, CC deleted; deleting any 2 consecutive bases within chr4:2,829,724-2,829,729 gives the same sequence; the c. name uses the placement nearest the transcript's 3' end. VCF-style (leftmost placement, unchanged base first): chr4-2829723-ACC-A. GRCh37 (hg19) VCF-style: chr4-2831450-ACC-A.
Other names: c.906_907del, p.Arg303fs (NM_001145855.2); c.993_994del, p.Arg332fs (NM_001145856.2); c.822_823del, p.Arg275fs (NM_003023.4); short protein forms R275fs, R332fs, R303fs.
Identifiers: ClinVar variation 4768608 (VCV004768608.1).

ClinVar aggregate classification (germline): Uncertain significance (1 of 4 stars; one submission).

Conditions:
Fibrous dysplasia of jaw (CRBM). Also called: Cherubism. Identifiers: Orphanet 184, MedGen C0008029, MONDO:0007315, OMIM 118400.

Submission:

Labcorp Genetics (formerly Invitae), Labcorp
Classification: Uncertain significance for Fibrous dysplasia of jaw. Last evaluated: 2025-09-22. Review status: criteria provided, single submitter. Criteria: Invitae Variant Classification Sherloc (09022015). Collection method: clinical testing. Allele origin: germline.
Comment: This sequence change creates a premature translational stop signal (p.Arg275Lysfs*57) in the SH3BP2 gene. It is expected to result in an absent or disrupted protein product. However, the current clinical and genetic evidence is not sufficient to establish whether loss-of-function variants in SH3BP2 cause disease. This variant is present in population databases (no rsID available, gnomAD 0.0009%). This variant has not been reported in the literature in individuals affected with SH3BP2-related conditions. In summary, the available evidence is currently insufficient to determine the role of this variant in disease. Therefore, it has been classified as a Variant of Uncertain Significance.